The following is an entry in ClinVar:

ClinVar aggregate classification (germline): Likely benign. Review status: criteria provided, single submitter (1 of 4 stars). 2 submissions from 2 submitters: Likely benign (1). 1 of the submissions does not count toward it. Last evaluated 2025-12-19.

Conditions:
NFE2L2-related disorder. Also called: NFE2L2-related condition.

Allele frequency attached by ClinVar (database versions not stated): gnomAD exomes 0.00011 and 0.00023; TOPMed 0.00011; gnomAD 0.00014 and 0.00015; ExAC 0.00023; 1000 Genomes Project 30x 0.00031; 1000 Genomes Project 0.00040.
gnomAD v4.1: 187 of 1,614,164 alleles (0.012%); highest among the groups gnomAD compares: East Asian, 0.36%; no homozygotes.

Submissions (2):

Labcorp Genetics (formerly Invitae), Labcorp
Classification: Likely benign. Last evaluated: 2025-12-19. Review status: criteria provided, single submitter. Criteria: Invitae Variant Classification Sherloc (09022015). Collection method: clinical testing. Allele origin: germline.

PreventionGenetics, part of Exact Sciences
Classification: Likely benign for NFE2L2-related condition. Last evaluated: 2023-09-28. Review status: no assertion criteria provided. Collection method: clinical testing. Allele origin: germline. Not counted in ClinVar's aggregate classification.
Comment: This variant is classified as likely benign based on ACMG/AMP sequence variant interpretation guidelines (Richards et al. 2015 PMID: 25741868, with internal and published modifications).

NM_006164.5(NFE2L2):c.697C>T (p.Pro233Ser)

Gene: NFE2L2 (NFE2 like bZIP transcription factor 2; minus strand). Cytogenetic location: 2q31.2.
Variant type: single nucleotide variant.
Coding change: c.697C>T on transcript NM_006164.5 (MANE Select); coding-DNA position 697, C replaced by T.
Protein change: p.Pro233Ser; replaces proline 233 with serine.
Molecular consequence: missense variant.
Genome position (GRCh38, 1-based): chr2:177,231,906, G>A on the plus strand (C>T on the coding strand, the complement: NFE2L2 is on the minus strand). VCF-style: chr2-177231906-G-A. GRCh37 (hg19) VCF-style: chr2-178096634-G-A.
Other names: c.649C>T, p.Pro217Ser (NM_001145412.3, NM_001313900.1, NM_001313901.1); c.628C>T, p.Pro210Ser (NM_001145413.3); c.607C>T, p.Pro203Ser (NM_001313902.2); c.478C>T, p.Pro160Ser (NM_001313903.2); c.397C>T, p.Pro133Ser (NM_001313904.1); c.697C>T (NM_006164.4); short protein forms P133S, P160S, P203S, P210S, P217S, P233S.
Identifiers: ClinVar variation 1664489 (VCV001664489.10), dbSNP rs139187151, ClinGen allele CA1979810.